The following is an entry in ClinVar:

NM_000256.3(MYBPC3):c.3229G>A (p.Ala1077Thr)

Gene: MYBPC3 (myosin binding protein C3; minus strand). Cytogenetic location: 11p11.2.
Variant type: single nucleotide variant.
Coding change: c.3229G>A on transcript NM_000256.3 (MANE Select); coding-DNA position 3229, G replaced by A.
Protein change: p.Ala1077Thr; replaces alanine 1077 with threonine.
Molecular consequence: missense variant.
Genome position (GRCh38, 1-based): chr11:47,333,295, C>T on the plus strand (G>A on the coding strand, the complement: MYBPC3 is on the minus strand). VCF-style: chr11-47333295-C-T. GRCh37 (hg19) VCF-style: chr11-47354846-C-T.
Other names: short protein forms A1077T.
Identifiers: ClinVar variation 42695 (VCV000042695.25), dbSNP rs397516009, ClinGen allele CA013706.
Genomic context (GRCh38, chr11:47,333,295, plus strand): 5'-GCTCCGTGTTGCCGACATCCTGGGGTGGCTTCCACTCCAGAGCCACATTAAGACCCCAGG[C>T]GTCAGTCACCCGGAGATCCTGGGGAGGACTTGGCTTGTCTGCGGGAGACAGACCCAGTTG-3'
Protein context (NP_000247.2, residues 1067-1087): SPPQDLRVTD[Ala1077Thr]WGLNVALEWK

ClinVar aggregate classification (germline): Conflicting classifications of pathogenicity. Review status: criteria provided, conflicting classifications (1 of 4 stars). 9 submissions from 9 submitters: Uncertain significance (4); Likely benign (3). 2 of the submissions do not count toward it. Last evaluated 2025-11-17.

Conditions:
MYBPC3-related disorder. Also called: MYBPC3-related disorders; MYBPC3-related condition; MYBPC3-related disease.
Cardiomyopathy (CMYO). Also called: Cardiomyopathies. Identifiers: Orphanet 167848, MedGen C0878544, MONDO:0004994, HP:0001638. Inheritance: Various modes of inheritance.
Hypertrophic cardiomyopathy. Also called: HYPERTROPHIC MYOCARDIOPATHY. Identifiers: Orphanet 217569, MedGen C0007194, MeSH D002312, MONDO:0005045, HP:0001639.

gnomAD v4.1: 14 of 1,590,360 alleles (0.00088%); highest among the groups gnomAD compares: East Asian, 0.0023%; no homozygotes.

Submissions (9):

PreventionGenetics, part of Exact Sciences
Classification: Uncertain significance for MYBPC3-related condition. Last evaluated: 2025-11-17. Review status: criteria provided, single submitter. Criteria: ACMG Guidelines, 2015. Collection method: clinical testing. Allele origin: germline.
Comment: The MYBPC3 c.3229G>A variant is predicted to result in the amino acid substitution p.Ala1077Thr. This variant has been reported in an individual from an exome sequencing cohort in which clinical findings were limited (Supplemental Table 3, Ng et al. 2013. PubMed ID: 23861362). This variant is reported in 0.0011% of alleles in individuals of European (Non-Finnish) descent in gnomAD and has conflicting interpretations regarding its pathogenicity in ClinVar, ranging from likely benign to uncertain (Variation ID: 42695). At this time, the clinical significance of this variant is uncertain due to the absence of conclusive functional and genetic evidence.

Labcorp Genetics (formerly Invitae), Labcorp
Classification: Uncertain significance for Hypertrophic cardiomyopathy. Last evaluated: 2025-08-30. Review status: criteria provided, single submitter. Criteria: Invitae Variant Classification Sherloc (09022015). Collection method: clinical testing. Allele origin: germline.
Comment: This sequence change replaces alanine, which is neutral and non-polar, with threonine, which is neutral and polar, at codon 1077 of the MYBPC3 protein (p.Ala1077Thr). The frequency data for this variant in the population databases is considered unreliable, as metrics indicate poor data quality at this position in the gnomAD database. This variant has not been reported in the literature in individuals affected with MYBPC3-related conditions. ClinVar contains an entry for this variant (Variation ID: 42695). An algorithm developed to predict the effect of missense changes on protein structure and function outputs the following: PolyPhen-2: "Benign". The threonine amino acid residue is found in multiple mammalian species, which suggests that this missense change does not adversely affect protein function. In summary, the available evidence is currently insufficient to determine the role of this variant in disease. Therefore, it has been classified as a Variant of Uncertain Significance.

Color Diagnostics, LLC DBA Color Health
Classification: Likely benign for Cardiomyopathy. Last evaluated: 2024-08-30. Review status: criteria provided, single submitter. Criteria: ACMG Guidelines, 2015. Collection method: clinical testing. Allele origin: germline.

CHEO Genetics Diagnostic Laboratory, Children's Hospital of Eastern Ontario
Classification: Uncertain significance for Cardiomyopathy. Last evaluated: 2023-03-21. Review status: criteria provided, single submitter. Criteria: ACMG Guidelines, 2015. Collection method: clinical testing. Allele origin: germline.

GeneDx
Classification: Likely benign. Last evaluated: 2017-01-13. Review status: criteria provided, single submitter. Criteria: GeneDx Variant Classification (06012015). Collection method: clinical testing. Allele origin: germline. Affected: yes.
Comment: This variant is considered likely benign or benign based on one or more of the following criteria: it is a conservative change, it occurs at a poorly conserved position in the protein, it is predicted to be benign by multiple in silico algorithms, and/or has population frequency not consistent with disease.

Biesecker Lab/Clinical Genomics Section, National Institutes of Health
Classification: Uncertain significance. Last evaluated: 2013-06-24. Review status: criteria provided, single submitter. Criteria: Ng et al. (Circ Cardiovasc Genet. 2013). Collection method: research. Allele origin: unknown. Observed: 1 variant allele. Study: ClinSeq.
Comment: The study set was not selected for affection status in relation to any cancer. Pathogenicity categories were based on literature curation. See Pubmed ID:23861362 for details.

Medical sequencing

Laboratory for Molecular Medicine, Mass General Brigham Personalized Medicine
Classification: Likely benign. Last evaluated: 2013-01-30. Review status: criteria provided, single submitter. Criteria: LMM Criteria. Collection method: clinical testing. Allele origin: germline. Observed: 1 variant allele.
Comment: Ala1077Thr in exon 30 of MYBPC3: This variant is not expected to have clinical s ignificance due to a lack of conservation across species, including mammals. Of note, 8 mammals have a threonine (Thr) at this position despite high nearby amin o acid conservation.

Clinical Genetics, Academic Medical Center
Classification: Benign. Review status: no assertion criteria provided. Collection method: clinical testing. Allele origin: germline. Affected: yes. Study: VKGL Data-share Consensus. Not counted in ClinVar's aggregate classification.

Joint Genome Diagnostic Labs from Nijmegen and Maastricht, Radboudumc and MUMC+
Classification: Likely benign. Review status: no assertion criteria provided. Collection method: clinical testing. Allele origin: germline. Affected: yes. Study: VKGL Data-share Consensus. Not counted in ClinVar's aggregate classification.